The following is an entry in ClinVar:

NM_001127715.4(STXBP5):c.1206C>T (p.Cys402=)

Gene: STXBP5 (syntaxin binding protein 5; plus strand). Cytogenetic location: 6q24.3.
Variant type: single nucleotide variant.
Coding change: c.1206C>T on transcript NM_001127715.4 (MANE Select); coding-DNA position 1206, C replaced by T.
Protein change: p.Cys402=; no amino-acid change (cysteine 402 retained).
Molecular consequence: synonymous variant.
Genome position (GRCh38, 1-based): chr6:147,313,944, C>T. VCF-style: chr6-147313944-C-T. GRCh37 (hg19) VCF-style: chr6-147635080-C-T.
Other names: c.1206C>T, p.Cys402= (NM_001394409.1, NM_139244.6).
Identifiers: ClinVar variation 757956 (VCV000757956.5), dbSNP rs201944718, ClinGen allele CA4038961.

ClinVar aggregate classification (germline): Likely benign. Review status: criteria provided, single submitter (1 of 4 stars). 2 submissions from 2 submitters: Likely benign (1). 1 of the submissions does not count toward it. Last evaluated 2018-07-21.

Conditions:
STXBP5-related disorder. Also called: STXBP5-related condition.

Allele frequency attached by ClinVar (database versions not stated): gnomAD 0.00004 and 0.00005; gnomAD exomes 0.00004 and 0.00006; TOPMed 0.00005; ExAC 0.00007; 1000 Genomes Project 30x 0.00016; 1000 Genomes Project 0.00020.
gnomAD v4.1: 66 of 1,602,572 alleles (0.0041%); highest among the groups gnomAD compares: Middle Eastern, 0.05%; no homozygotes.

Submissions (2):

Labcorp Genetics (formerly Invitae), Labcorp
Classification: Likely benign. Last evaluated: 2018-07-21. Review status: criteria provided, single submitter. Criteria: Invitae Variant Classification Sherloc (09022015). Collection method: clinical testing. Allele origin: germline.

PreventionGenetics, part of Exact Sciences
Classification: Likely benign for STXBP5-related condition. Last evaluated: 2019-03-18. Review status: no assertion criteria provided. Collection method: clinical testing. Allele origin: germline. Not counted in ClinVar's aggregate classification.
Comment: This variant is classified as likely benign based on ACMG/AMP sequence variant interpretation guidelines (Richards et al. 2015 PMID: 25741868, with internal and published modifications).